The following is an entry in ClinVar:

ClinVar aggregate classification (germline): Pathogenic/Likely pathogenic. Review status: criteria provided, multiple submitters, no conflicts (2 of 4 stars). 2 submissions from 2 submitters: Pathogenic (1); Likely pathogenic (1). Last evaluated 2025-06-11.

Conditions:
Breast-ovarian cancer, familial, susceptibility to, 5 (BROVCA5). Identifiers: MedGen C5830615, MONDO:0957530, OMIM 620442.
Hereditary cancer-predisposing syndrome. Also called: Hereditary neoplastic syndrome; Neoplastic Syndromes, Hereditary; Tumor predisposition; Hereditary Cancer Syndrome. Identifiers: Orphanet 140162, MedGen C0027672, MeSH D009386, MONDO:0015356.

Submissions (2):

Ambry Genetics
Classification: Pathogenic for Hereditary cancer-predisposing syndrome. Last evaluated: 2025-06-11. Review status: criteria provided, single submitter. Criteria: Ambry Variant Classification Scheme 2023. Collection method: clinical testing. Allele origin: germline.
Comment: The c.2015_2019delAAGAG pathogenic mutation, located in coding exon 5 of the PALB2 gene, results from a deletion of 5 nucleotides at nucleotide positions 2015 to 2019, causing a translational frameshift with a predicted alternate stop codon (p.E672Gfs*41). This variant is considered to be rare based on population cohorts in the Genome Aggregation Database (gnomAD). This alteration is expected to result in loss of function by premature protein truncation or nonsense-mediated mRNA decay. As such, this alteration is interpreted as a disease-causing mutation.

Juno Genomics, Hangzhou Juno Genomics, Inc
Classification: Likely pathogenic for Breast-ovarian cancer, familial, susceptibility to, 5. Review status: criteria provided, single submitter. Criteria: ACMG Guidelines, 2015. Collection method: clinical testing. Allele origin: germline.
Comment: Absent from controls (or at extremely low frequency if recessive) in Genome Aggregation Database.;Null variant in a gene where loss of function (LOF) is a known mechanism of disease.

NM_024675.4(PALB2):c.2015_2019del (p.Glu672fs)

Gene: PALB2 (partner and localizer of BRCA2; minus strand). Cytogenetic location: 16p12.2.
Variant type: Deletion.
Coding change: c.2015_2019del on transcript NM_024675.4 (MANE Select); coding-DNA positions 2015 to 2019, 5 bases deleted (AAGAG; older notation c.2015_2019delAAGAG).
Protein change: p.Glu672fs; shifts the reading frame from glutamic acid 672.
Molecular consequence: frameshift variant. On other transcripts: intron variant (1).
Genome position (GRCh38, 1-based): chr16:23,630,135-23,630,139, CTCTT deleted on the plus strand (AAGAG on the coding strand, the reverse complement: PALB2 is on the minus strand); deleting any 5 consecutive bases within chr16:23,630,135-23,630,141 gives the same sequence; the c. name uses the placement nearest the transcript's 3' end. VCF-style (leftmost placement, unchanged base first): chr16-23630134-CCTCTT-C. GRCh37 (hg19) VCF-style: chr16-23641455-CCTCTT-C.
Other names: c.1955_1959del, p.Glu652fs (NM_001407296.1); c.2015_2019del, p.Glu672fs (NM_001407297.1, NM_001407298.1, NM_001407299.1 and 3 more transcripts); c.1130_1134del, p.Glu377fs (NM_001407304.1, NM_001407305.1, NM_001407306.1 and 5 more transcripts); c.227_231del, p.Glu76fs (NM_001407312.1, NM_001407313.1); c.49-864_49-860del (NM_001407314.1); c.2015_2019delAAGAG (NM_024675.3); short protein forms E672fs, E377fs, E652fs, E76fs.
Identifiers: ClinVar variation 3927463 (VCV003927463.3).